The following is an entry in ClinVar:

ClinVar aggregate classification (germline): Uncertain significance (1 of 4 stars; one submission).

gnomAD v4.1: 9 of 1,614,016 alleles (0.00056%); highest among the groups gnomAD compares: Admixed American, 0.005%; no homozygotes.

Submission:

Labcorp Genetics (formerly Invitae), Labcorp
Classification: Uncertain significance. Last evaluated: 2022-03-02. Review status: criteria provided, single submitter. Criteria: Invitae Variant Classification Sherloc (09022015). Collection method: clinical testing. Allele origin: germline.
Comment: This sequence change replaces arginine, which is basic and polar, with serine, which is neutral and polar, at codon 1475 of the LAMC3 protein (p.Arg1475Ser). This variant is not present in population databases (gnomAD no frequency). This variant has not been reported in the literature in individuals affected with LAMC3-related conditions. Algorithms developed to predict the effect of missense changes on protein structure and function are either unavailable or do not agree on the potential impact of this missense change (SIFT: "Tolerated"; PolyPhen-2: "Probably Damaging"; Align-GVGD: "Class C0"). In summary, the available evidence is currently insufficient to determine the role of this variant in disease. Therefore, it has been classified as a Variant of Uncertain Significance.

NM_006059.4(LAMC3):c.4423C>A (p.Arg1475Ser)

Gene: LAMC3 (laminin subunit gamma 3; plus strand). Cytogenetic location: 9q34.12.
Variant type: single nucleotide variant.
Coding change: c.4423C>A on transcript NM_006059.4 (MANE Select); coding-DNA position 4423, C replaced by A.
Protein change: p.Arg1475Ser; replaces arginine 1475 with serine.
Molecular consequence: missense variant.
Genome position (GRCh38, 1-based): chr9:131,087,763, C>A. VCF-style: chr9-131087763-C-A. GRCh37 (hg19) VCF-style: chr9-133963150-C-A.
Other names: short protein forms R1475S.
Identifiers: ClinVar variation 1346363 (VCV001346363.5), dbSNP rs747672513, ClinGen allele CA200682724.
Genomic context (GRCh38, chr9:131,087,763, plus strand): 5'-TCCTCCCCCTGAAAGGTGGGTGCTGGGCTGAGCGAGATGGAGCAGCAGATCCGGGAATCG[C>A]GTATCTCACTGGAGAAGGACATCGAGACCTTGTCAGAGCTGCTTGCCAGGCTGGGTAAGG-3'
Protein context (NP_006050.3, residues 1465-1485): SEMEQQIRES[Arg1475Ser]ISLEKDIETL